The following is an entry in ClinVar:

NM_152703.5(SAMD9L):c.2363G>C (p.Arg788Thr)

Gene: SAMD9L (sterile alpha motif domain containing 9 like; minus strand). Cytogenetic location: 7q21.2.
Variant type: single nucleotide variant.
Coding change: c.2363G>C on transcript NM_152703.5 (MANE Select); coding-DNA position 2363, G replaced by C.
Protein change: p.Arg788Thr; replaces arginine 788 with threonine.
Molecular consequence: missense variant.
Genome position (GRCh38, 1-based): chr7:93,133,609, C>G on the plus strand (G>C on the coding strand, the complement: SAMD9L is on the minus strand). VCF-style: chr7-93133609-C-G. GRCh37 (hg19) VCF-style: chr7-92762922-C-G.
Other names: c.2363G>C, p.Arg788Thr (NM_001303496.3, NM_001303497.3, NM_001303498.3 and 5 more transcripts); c.2363G>C (NM_152703.2); short protein forms R788T.
Identifiers: ClinVar variation 2631530 (VCV002631530.7), dbSNP rs1159068281, ClinGen allele CA368191010.
Genomic context (GRCh38, chr7:93,133,609, plus strand): 5'-TGTTCTTCAAAATCATCCACAAGGAGAAGCACAGGAATGTAATCCTGATGGCTCTTTGCC[C>G]TATAGGTGACCAGATTGATCACTTGCTCTGCAATTTCTGCAAAATCAGTTGTCTTGTTTT-3'
Protein context (NP_689916.2, residues 778-798): AEQVINLVTY[Arg788Thr]AKSHQDYIPV

ClinVar aggregate classification (germline): Uncertain significance. Review status: criteria provided, multiple submitters, no conflicts (2 of 4 stars). 5 submissions from 5 submitters: Uncertain significance (5). Last evaluated 2025-04-11.

Conditions:
Inborn genetic diseases. Identifiers: MedGen C0950123, MeSH D030342.
SAMD9L-related disorder. Also called: SAMD9L-related condition; SAMD9L-related disorders.

Allele frequency attached by ClinVar (database versions not stated): gnomAD 0.00001; TOPMed 0.00002.
gnomAD v4.1: 4 of 1,613,652 alleles (0.00025%); highest among the groups gnomAD compares: East Asian, 0.0089%; no homozygotes.

Submissions (5):

Ambry Genetics
Classification: Uncertain significance for Inborn genetic diseases. Last evaluated: 2025-04-11. Review status: criteria provided, single submitter. Criteria: Ambry Variant Classification Scheme 2023. Collection method: clinical testing. Allele origin: germline.
Comment: The p.R788T variant (also known as c.2363G>C), located in coding exon 1 of the SAMD9L gene, results from a G to C substitution at nucleotide position 2363. The arginine at codon 788 is replaced by threonine, an amino acid with similar properties. This amino acid position is conserved. In addition, this alteration is predicted to be tolerated by in silico analysis. Based on the available evidence, the clinical significance of this variant remains unclear.

PreventionGenetics, part of Exact Sciences
Classification: Uncertain significance for SAMD9L-related condition. Last evaluated: 2023-07-10. Review status: criteria provided, single submitter. Criteria: ACMG Guidelines, 2015. Collection method: clinical testing. Allele origin: germline.
Comment: The SAMD9L c.2363G>C variant is predicted to result in the amino acid substitution p.Arg788Thr. To our knowledge, this variant has not been reported in the literature. This variant is reported in 0.011% of alleles in individuals of East Asian descent in gnomAD. Although we suspect that this variant may be benign, at this time, the clinical significance of this variant is uncertain due to the absence of conclusive functional and genetic evidence.

Labcorp Genetics (formerly Invitae), Labcorp
Classification: Uncertain significance. Last evaluated: 2023-06-06. Review status: criteria provided, single submitter. Criteria: Invitae Variant Classification Sherloc (09022015). Collection method: clinical testing. Allele origin: germline.
Comment: In summary, the available evidence is currently insufficient to determine the role of this variant in disease. Therefore, it has been classified as a Variant of Uncertain Significance. Advanced modeling of protein sequence and biophysical properties (such as structural, functional, and spatial information, amino acid conservation, physicochemical variation, residue mobility, and thermodynamic stability) performed at Invitae indicates that this missense variant is not expected to disrupt SAMD9L protein function. This variant has not been reported in the literature in individuals affected with SAMD9L-related conditions. This variant is present in population databases (no rsID available, gnomAD 0.01%). This sequence change replaces arginine, which is basic and polar, with threonine, which is neutral and polar, at codon 788 of the SAMD9L protein (p.Arg788Thr).

GeneDx
Classification: Uncertain significance. Last evaluated: 2023-05-31. Review status: criteria provided, single submitter. Criteria: GeneDx Variant Classification Process June 2021. Collection method: clinical testing. Allele origin: germline. Affected: yes.
Comment: Not observed at significant frequency in large population cohorts (gnomAD); In silico analysis supports that this missense variant does not alter protein structure/function; Has not been previously published as pathogenic or benign to our knowledge; This variant is associated with the following publications: (PMID: 28545555)

Blueprint Genetics
Classification: Uncertain significance. Last evaluated: 2022-06-10. Review status: criteria provided, single submitter. Criteria: ACMG Guidelines, 2015. Collection method: clinical testing. Allele origin: germline.